The following is an entry in ClinVar:

ClinVar aggregate classification (germline): Uncertain significance (1 of 4 stars; one submission).

Allele frequency attached by ClinVar (database versions not stated): gnomAD exomes below 0.00001.
gnomAD v4.1: 1 of 1,614,152 alleles (0.000062%); highest among the groups gnomAD compares: Non-Finnish European, 0.000085%; no homozygotes.

Submission:

Labcorp Genetics (formerly Invitae), Labcorp
Classification: Uncertain significance. Last evaluated: 2022-09-20. Review status: criteria provided, single submitter. Criteria: Invitae Variant Classification Sherloc (09022015). Collection method: clinical testing. Allele origin: germline.
Comment: In summary, the available evidence is currently insufficient to determine the role of this variant in disease. Therefore, it has been classified as a Variant of Uncertain Significance. Advanced modeling of protein sequence and biophysical properties (such as structural, functional, and spatial information, amino acid conservation, physicochemical variation, residue mobility, and thermodynamic stability) performed at Invitae indicates that this missense variant is not expected to disrupt CTNNA1 protein function. ClinVar contains an entry for this variant (Variation ID: 1043539). This variant has not been reported in the literature in individuals affected with CTNNA1-related conditions. This variant is not present in population databases (gnomAD no frequency). This sequence change replaces lysine, which is basic and polar, with arginine, which is basic and polar, at codon 881 of the CTNNA1 protein (p.Lys881Arg).

NM_001903.5(CTNNA1):c.2642A>G (p.Lys881Arg)

Gene: CTNNA1 (catenin alpha 1; plus strand). Cytogenetic location: 5q31.2.
Variant type: single nucleotide variant.
Coding change: c.2642A>G on transcript NM_001903.5 (MANE Select); coding-DNA position 2642, A replaced by G.
Protein change: p.Lys881Arg; replaces lysine 881 with arginine.
Molecular consequence: missense variant. On other transcripts: 3 prime UTR variant (5).
Genome position (GRCh38, 1-based): chr5:138,934,010, A>G. VCF-style: chr5-138934010-A-G. GRCh37 (hg19) VCF-style: chr5-138269699-A-G.
Other names: c.*187A>G (NM_001290307.3, NM_001324002.1, NM_001324003.1 and 2 more transcripts); c.2333A>G, p.Lys778Arg (NM_001290309.3); c.2273A>G, p.Lys758Arg (NM_001290310.3); c.1532A>G, p.Lys511Arg (NM_001290312.1, NM_001323987.1, NM_001323988.1 and 12 more transcripts); c.2642A>G, p.Lys881Arg (NM_001323982.2, NM_001323983.1, NM_001323984.2); c.2615A>G, p.Lys872Arg (NM_001323985.2); c.2549A>G, p.Lys850Arg (NM_001323986.2); c.1397A>G, p.Lys466Arg (NM_001324001.1); and 3 more; short protein forms K398R, K430R, K480R, K778R, K872R, K466R, K511R, K758R.
Identifiers: ClinVar variation 1043539 (VCV001043539.8), dbSNP rs1766009252, ClinGen allele CA361135672.
Genomic context (GRCh38, chr5:138,934,010, plus strand): 5'-TGAAGGCACCAGAGAAAAAGCCATTGGTGAAGAGAGAGAAACAGGATGAGACACAGACCA[A>G]GATTAAACGGGCATCTCAGAAGAAGCACGTGAACCCGGTGCAGGCCCTCAGCGAGTTCAA-3'
Protein context (NP_001894.2, residues 871-891): KREKQDETQT[Lys881Arg]IKRASQKKHV